The following is an entry in ClinVar:

ClinVar aggregate classification (germline): Uncertain significance (1 of 4 stars; one submission).

Submission:

Labcorp Genetics (formerly Invitae), Labcorp
Classification: Uncertain significance. Last evaluated: 2021-05-16. Review status: criteria provided, single submitter. Criteria: Invitae Variant Classification Sherloc (09022015). Collection method: clinical testing. Allele origin: germline.
Comment: This variant has not been reported in the literature in individuals with DGAT1-related conditions. This sequence change falls in intron 11 of the DGAT1 gene. It does not directly change the encoded amino acid sequence of the DGAT1 protein. It affects a nucleotide within the consensus splice site of the intron. This variant is not present in population databases (ExAC no frequency). Nucleotide substitutions within the consensus splice site are a relatively common cause of aberrant splicing (PMID: 17576681, 9536098). Algorithms developed to predict the effect of sequence changes on RNA splicing suggest that this variant is not likely to affect RNA splicing, but this prediction has not been confirmed by published transcriptional studies. In summary, the available evidence is currently insufficient to determine the role of this variant in disease. Therefore, it has been classified as a Variant of Uncertain Significance.

Literature cited by the submitters: PubMed 17576681; PubMed 9536098.

NM_012079.6(DGAT1):c.936+6T>C

Gene: DGAT1 (diacylglycerol O-acyltransferase 1; minus strand). Cytogenetic location: 8q24.3.
Variant type: single nucleotide variant.
Coding change: c.936+6T>C on transcript NM_012079.6 (MANE Select); 6 bases into the intron after coding-DNA position 936, T replaced by C.
Molecular consequence: intron variant.
Genome position (GRCh38, 1-based): chr8:144,317,665, A>G on the plus strand (T>C on the coding strand, the complement: DGAT1 is on the minus strand). VCF-style: chr8-144317665-A-G. GRCh37 (hg19) VCF-style: chr8-145541328-A-G.
Identifiers: ClinVar variation 1353974 (VCV001353974.6), dbSNP rs2130516099, ClinGen allele CA2573142989.
Genomic context (GRCh38, chr8:144,317,665, plus strand): 5'-TTCAGCTAGCCATGCTCCTGGTCACTCCCCAGCCACCCCAGCTGCAAGAGCACCTGAGCC[A>G]CTCACCTTGAAGGGCTTCATGGAGTTCTGGATGGTGGGGACCATCCACTGCAAAGGAGGG-3'